The following is an entry in ClinVar:

ClinVar aggregate classification (germline): Pathogenic. Review status: criteria provided, multiple submitters, no conflicts (2 of 4 stars). 5 submissions from 5 submitters: Pathogenic (5). Last evaluated 2026-01-25.

Conditions:
PYGM-related disorder. Also called: PYGM-related condition.
Glycogen storage disease, type V (GSD5). Also called: PYGM DEFICIENCY; McArdle type glycogen storage disease; MCARDLE DISEASE; MUSCLE GLYCOGEN PHOSPHORYLASE DEFICIENCY; MYOPHOSPHORYLASE DEFICIENCY. Identifiers: Orphanet 368, MedGen C0017924, MONDO:0009293, OMIM 232600.

Submissions (5):

Myriad Genetics, Inc.
Classification: Pathogenic for Glycogen storage disease, type V. Last evaluated: 2026-01-25. Review status: criteria provided, single submitter. Criteria: Myriad Autosomal Dominant, Autosomal Recessive and X-Linked Classification Criteria (2023). Collection method: clinical testing. Allele origin: unknown.
Comment: NM_005609.2(PYGM):c.1531delG(D511Tfs*28) is expected to be pathogenic in the context of glycogen storage disease, PYGM-related. This variant is predicted to lead to an abnormal or absent protein product due to the creation of a premature termination codon in PYGM, a gene where loss-of-function variants are known to be pathogenic. Please note: this variant was assessed in the context of healthy population screening.

3billion
Classification: Pathogenic for Glycogen storage disease, type V. Last evaluated: 2024-03-19. Review status: criteria provided, single submitter. Criteria: ACMG Guidelines, 2015. Collection method: clinical testing. Allele origin: germline. Affected: yes.
Comment: The variant is not observed in the gnomAD v2.1.1 dataset. Predicted Consequence/Location: Frameshift: predicted to result in a loss or disruption of normal protein function through nonsense-mediated decay (NMD) or protein truncation. Multiple pathogenic variants are reported downstream of the variant. The variant has been reported to be associated with PYGM related disorder (ClinVar ID: VCV000944242 /PMID: 7951211). Therefore, this variant is classified as Pathogenic according to the recommendation of ACMG/AMP guideline.

Labcorp Genetics (formerly Invitae), Labcorp
Classification: Pathogenic for Glycogen storage disease, type V. Last evaluated: 2023-08-11. Review status: criteria provided, single submitter. Criteria: Invitae Variant Classification Sherloc (09022015). Collection method: clinical testing. Allele origin: germline.
Comment: For these reasons, this variant has been classified as Pathogenic. ClinVar contains an entry for this variant (Variation ID: 944242). This premature translational stop signal has been observed in individuals with PYGM-related conditons (PMID: 7951211, 25045239). This variant is not present in population databases (gnomAD no frequency). This sequence change creates a premature translational stop signal (p.Asp511Thrfs*28) in the PYGM gene. It is expected to result in an absent or disrupted protein product. Loss-of-function variants in PYGM are known to be pathogenic (PMID: 8316268, 16786513).

Blueprint Genetics
Classification: Pathogenic for PYGM-related disorders. Last evaluated: 2021-04-20. Review status: criteria provided, single submitter. Criteria: ACMG Guidelines, 2015. Collection method: clinical testing. Allele origin: germline. Affected: yes. Observed: 1 variant allele.

Juno Genomics, Hangzhou Juno Genomics, Inc
Classification: Pathogenic for Glycogen storage disease, type V. Review status: criteria provided, single submitter. Criteria: ACMG Guidelines, 2015. Collection method: clinical testing. Allele origin: germline.
Comment: Absent from controls (or at extremely low frequency if recessive) in Genome Aggregation Database.;Null variant in a gene where loss of function (LOF) is a known mechanism of disease.;For recessive disorders, detected in trans with a pathogenic variant.;Patient's phenotype or family history is highly specific for a disease with a single genetic etiology.

Literature cited by the submitters: PubMed 7951211 (cited by 3billion and Labcorp Genetics (formerly Invitae), Labcorp); PubMed 25045239 (cited by Labcorp Genetics (formerly Invitae), Labcorp); PubMed 8316268 (cited by Labcorp Genetics (formerly Invitae), Labcorp); PubMed 16786513 (cited by Labcorp Genetics (formerly Invitae), Labcorp).

NM_005609.4(PYGM):c.1531del (p.Asp511fs)

Gene: PYGM (glycogen phosphorylase, muscle associated; minus strand). Cytogenetic location: 11q13.1.
Variant type: Deletion.
Coding change: c.1531del on transcript NM_005609.4 (MANE Select); coding-DNA position 1531, one base deleted (G; older notation c.1531delG).
Protein change: p.Asp511fs; shifts the reading frame from aspartic acid 511.
Molecular consequence: frameshift variant.
Genome position (GRCh38, 1-based): chr11:64,752,492, C deleted on the plus strand (G on the coding strand, the reverse complement: PYGM is on the minus strand); the first of 2 consecutive C bases (chr11:64,752,492-64,752,493); deleting either gives the same sequence. VCF-style (leftmost placement, unchanged base first): chr11-64752491-TC-T. GRCh37 (hg19) VCF-style: chr11-64519963-TC-T.
Other names: c.1267del, p.Asp423fs (NM_001164716.1); short protein forms D511fs, D423fs.
Identifiers: ClinVar variation 944242 (VCV000944242.14), dbSNP rs2058363821, ClinGen allele CA1139662017.